The following is an entry in ClinVar:

NM_000166.6(GJB1):c.790C>T (p.Arg264Cys)

Gene: GJB1 (gap junction protein beta 1; plus strand). Cytogenetic location: Xq13.1.
Variant type: single nucleotide variant.
Coding change: c.790C>T on transcript NM_000166.6 (MANE Select); coding-DNA position 790, C replaced by T.
Protein change: p.Arg264Cys; replaces arginine 264 with cysteine.
Molecular consequence: missense variant.
Genome position (GRCh38, 1-based): chrX:71,224,497, C>T. VCF-style: chrX-71224497-C-T. GRCh37 (hg19) VCF-style: chrX-70444347-C-T.
Other names: c.790C>T, p.Arg264Cys (NM_001097642.3); short protein forms R264C.
Identifiers: ClinVar variation 155727 (VCV000155727.10), dbSNP rs587777879, ClinGen allele CA270649.

ClinVar aggregate classification (germline): Conflicting classifications of pathogenicity. Review status: criteria provided, conflicting classifications (1 of 4 stars). 6 submissions from 6 submitters: Uncertain significance (4); Likely benign (1). 1 of the submissions does not count toward it. Last evaluated 2025-11-25.

Conditions:
GJB1-related disorder. Also called: GJB1-related condition; GJB1-related disorders.
Charcot-Marie-Tooth disease. Also called: Charcot-Marie-Tooth Neuropathy; Charcot-Marie-Tooth Hereditary Neuropathy. Identifiers: Orphanet 166, MedGen C0007959, MONDO:0015626.
Charcot-Marie-Tooth Neuropathy X. Identifiers: MedGen CN118851.
Charcot-Marie-Tooth disease X-linked dominant 1. Also called: CHARCOT-MARIE-TOOTH NEUROPATHY, X-LINKED, 1; CHARCOT-MARIE-TOOTH PERONEAL MUSCULAR ATROPHY, X-LINKED; Charcot-Marie-Tooth Neuropathy X Type 1; X-linked Charcot-Marie-Tooth disease type 1; GJB1 Disorders: Charcot-Marie-Tooth Neuropathy (CMT1X) and Central Nervous System Phenotypes; HEREDITARY MOTOR AND SENSORY NEUROPATHY, X-LINKED. Identifiers: Orphanet 101075, MedGen C0393808, MONDO:0010549, OMIM 302800.

Allele frequency attached by ClinVar (database versions not stated): gnomAD 0.00001; TOPMed 0.00002; gnomAD exomes 0.00006; ExAC 0.00009.
gnomAD v4.1: 32 of 1,198,038 alleles (0.0027%); highest among the groups gnomAD compares: East Asian, 0.015%; 1 homozygote.

Submissions (6):

Labcorp Genetics (formerly Invitae), Labcorp
Classification: Uncertain significance for Charcot-Marie-Tooth Neuropathy X. Last evaluated: 2025-11-25. Review status: criteria provided, single submitter. Criteria: Invitae Variant Classification Sherloc (09022015). Collection method: clinical testing. Allele origin: germline.
Comment: This sequence change replaces arginine, which is basic and polar, with cysteine, which is neutral and slightly polar, at codon 264 of the GJB1 protein (p.Arg264Cys). This variant is present in population databases (rs587777879, gnomAD 0.03%), including at least one homozygous and/or hemizygous individual. This missense change has been observed in individual(s) with clinical features of Charcot-Marie-Tooth disease (PMID: 12402337, 25802885, 28768847, 33105617). ClinVar contains an entry for this variant (Variation ID: 155727). Invitae Evidence Modeling of protein sequence and biophysical properties (such as structural, functional, and spatial information, amino acid conservation, physicochemical variation, residue mobility, and thermodynamic stability) has been performed for this missense variant. However, the output from this modeling did not meet the statistical confidence thresholds required to predict the impact of this variant on GJB1 protein function. In summary, the available evidence is currently insufficient to determine the role of this variant in disease. Therefore, it has been classified as a Variant of Uncertain Significance.

PreventionGenetics, part of Exact Sciences
Classification: Uncertain significance for GJB1-related condition. Last evaluated: 2025-10-17. Review status: criteria provided, single submitter. Criteria: ACMG Guidelines, 2015. Collection method: clinical testing. Allele origin: germline.
Comment: The GJB1 c.790C>T variant is predicted to result in the amino acid substitution p.Arg264Cys. This variant has been reported in individuals with Charcot-Marie-Tooth disease (Numakura et al. 2002. PubMed ID: 12402337; Drew et al. 2015. PubMed ID: 25802885; Supplementary Table 4, Record et al. 2023. PubMed ID: 37284795). It has also been reported in an individual with hearing loss (Morgan et al. 2020. PubMed ID: 33105617). This variant is reported in 0.024% of alleles in individuals of East Asian descent in gnomAD v2, including one hemizygous individual across all populations. In gnomAD v4 (only available on GRCh38), this variant is reported in one homozygote as well as eight hemizygotes. Although we suspect that this variant may be benign, at this time, the clinical significance of this variant is uncertain due to the absence of conclusive functional and genetic evidence.

GeneDx
Classification: Likely benign. Last evaluated: 2023-09-05. Review status: criteria provided, single submitter. Criteria: GeneDx Variant Classification Process June 2021. Collection method: clinical testing. Allele origin: germline. Affected: yes.
Comment: See Variant Classification Assertion Criteria.

Fulgent Genetics
Classification: Uncertain significance for Charcot-Marie-Tooth disease X-linked dominant 1. Last evaluated: 2021-10-26. Review status: criteria provided, single submitter. Criteria: ACMG Guidelines, 2015. Collection method: clinical testing. Allele origin: unknown.

Molecular Genetics Laboratory, London Health Sciences Centre
Classification: Uncertain significance for Charcot-Marie-Tooth disease. Review status: criteria provided, single submitter. Criteria: ACMG Guidelines, 2015. Collection method: clinical testing. Allele origin: germline. Affected: yes.

Northcott Neuroscience Laboratory, ANZAC Research Institute
Classification: Pathogenic for X-linked hereditary motor and sensory neuropathy. Review status: no assertion criteria provided. Collection method: not provided. Allele origin: germline. Not counted in ClinVar's aggregate classification.
Comment: Family F
ClinVar note: Converted during submission from pathogenic to Pathogenic.

Literature cited by the submitters: PubMed 12402337 (cited by Labcorp Genetics (formerly Invitae), Labcorp); PubMed 25802885 (cited by Labcorp Genetics (formerly Invitae), Labcorp); PubMed 28768847 (cited by Labcorp Genetics (formerly Invitae), Labcorp); PubMed 33105617 (cited by Labcorp Genetics (formerly Invitae), Labcorp).